The following is an entry in ClinVar:

ClinVar aggregate classification (germline): Uncertain significance (1 of 4 stars; one submission).

Allele frequency attached by ClinVar (database versions not stated): gnomAD exomes below 0.00001; gnomAD 0.00003.
gnomAD v4.1: 6 of 1,599,004 alleles (0.00038%); highest among the groups gnomAD compares: African/African-American, 0.0081%; no homozygotes.

Submission:

Labcorp Genetics (formerly Invitae), Labcorp
Classification: Uncertain significance. Last evaluated: 2022-05-13. Review status: criteria provided, single submitter. Criteria: Invitae Variant Classification Sherloc (09022015). Collection method: clinical testing. Allele origin: germline.
Comment: This sequence change replaces proline, which is neutral and non-polar, with threonine, which is neutral and polar, at codon 969 of the PTPN23 protein (p.Pro969Thr). The frequency data for this variant in the population databases is considered unreliable, as metrics indicate poor data quality at this position in the gnomAD database. This variant has not been reported in the literature in individuals affected with PTPN23-related conditions. Algorithms developed to predict the effect of missense changes on protein structure and function output the following: SIFT: "Tolerated"; PolyPhen-2: "Not Available"; Align-GVGD: "Class C0". The threonine amino acid residue is found in multiple mammalian species, which suggests that this missense change does not adversely affect protein function. In summary, the available evidence is currently insufficient to determine the role of this variant in disease. Therefore, it has been classified as a Variant of Uncertain Significance.

NM_015466.4(PTPN23):c.2905C>A (p.Pro969Thr)

Gene: PTPN23 (protein tyrosine phosphatase non-receptor type 23; plus strand). Cytogenetic location: 3p21.31.
Variant type: single nucleotide variant.
Coding change: c.2905C>A on transcript NM_015466.4 (MANE Select); coding-DNA position 2905, C replaced by A.
Protein change: p.Pro969Thr; replaces proline 969 with threonine.
Molecular consequence: missense variant.
Genome position (GRCh38, 1-based): chr3:47,410,703, C>A. VCF-style: chr3-47410703-C-A. GRCh37 (hg19) VCF-style: chr3-47452193-C-A.
Other names: c.2527C>A, p.Pro843Thr (NM_001304482.2); short protein forms P843T, P969T.
Identifiers: ClinVar variation 1922285 (VCV001922285.2), dbSNP rs963864804, ClinGen allele CA73881192.
Genomic context (GRCh38, chr3:47,410,703, plus strand): 5'-CCAAGGATTGGGCCCCAGCCCCAGCCCCATCCTCAGCCCCATCCTTCACAAGCGTTTGGG[C>A]CTCAGCCCCCACAGCAGCCCCTTCCACTCCAGCATCCACATCTCTTCCCACCCCAGGCCC-3'
Protein context (NP_056281.1, residues 959-979): PQPHPSQAFG[Pro969Thr]QPPQQPLPLQ